The following is an entry in ClinVar:

ClinVar aggregate classification (germline): Uncertain significance (1 of 4 stars; one submission).

Conditions:
Immunodeficiency 14 (IMD14A). Also called: p110-DELTA-ACTIVATING MUTATION CAUSING SENESCENT T CELLS, LYMPHADENOPATHY, AND IMMUNODEFICIENCY; IMMUNODEFICIENCY 14A WITH LYMPHOPROLIFERATION, AUTOSOMAL DOMINANT; ACTIVATED PI3K-DELTA SYNDROME 1; Activated PI3K Delta Syndrome Type 1 (APDS1). Identifiers: Orphanet 397596, Orphanet 693661, MedGen C5907821, MONDO:0014222, OMIM 615513.

Allele frequency attached by ClinVar (database versions not stated): ExAC 0.00001; gnomAD 0.00002; TOPMed 0.00002.
gnomAD v4.1: 14 of 1,599,720 alleles (0.00088%); highest among the groups gnomAD compares: African/African-American, 0.0067%; no homozygotes.

Submissions (2):

Labcorp Genetics (formerly Invitae), Labcorp
Classification: Uncertain significance for Activated PI3K-delta syndrome. Last evaluated: 2025-07-10. Review status: criteria provided, single submitter. Criteria: Invitae Variant Classification Sherloc (09022015). Collection method: clinical testing. Allele origin: germline.
Comment: This sequence change falls in intron 8 of the PIK3CD gene. It does not directly change the encoded amino acid sequence of the PIK3CD protein. This variant is present in population databases (rs755673082, gnomAD 0.006%). This variant has not been reported in the literature in individuals affected with PIK3CD-related conditions. ClinVar contains an entry for this variant (Variation ID: 2743398). Algorithms developed to predict the effect of sequence changes on RNA splicing suggest that this variant may create or strengthen a splice site. In summary, the available evidence is currently insufficient to determine the role of this variant in disease. Therefore, it has been classified as a Variant of Uncertain Significance.

Dr. Peter K. Rogan Lab, Western University
No classification provided (evidence only). Condition: Ovarian serous cystadenocarcinoma. Review status: no classification provided. Collection method: in vitro. Allele origin: not applicable. Functional consequence: retained intron. Not counted in ClinVar's aggregate classification.

NM_005026.5(PIK3CD):c.1021-14G>A

Genes: PIK3CD (phosphatidylinositol-4,5-bisphosphate 3-kinase catalytic subunit delta; plus strand), LOC126805612 (MED14-independent group 3 enhancer GRCh37_chr1:9778914-9780113; plus strand). Cytogenetic location: 1p36.22.
Variant type: single nucleotide variant.
Coding change: c.1021-14G>A on transcript NM_005026.5 (MANE Select); 14 bases into the intron before coding-DNA position 1021, G replaced by A.
Molecular consequence: intron variant.
Genome position (GRCh38, 1-based): chr1:9,718,680, G>A. VCF-style: chr1-9718680-G-A. GRCh37 (hg19) VCF-style: chr1-9778738-G-A.
Other names: c.1021-14G>A (NM_001350234.2); c.934-14G>A (NM_001350235.1).
Identifiers: ClinVar variation 2743398 (VCV002743398.4), dbSNP rs755673082, ClinGen allele CA577076.